The following is an entry in ClinVar:

ClinVar aggregate classification (germline): Benign/Likely benign. Review status: criteria provided, multiple submitters, no conflicts (2 of 4 stars). 3 submissions from 3 submitters: Benign (1); Likely benign (1). 1 of the submissions does not count toward it. Last evaluated 2026-01-13.

Conditions:
DGAT1-related disorder. Also called: DGAT1-related condition.

Allele frequency attached by ClinVar (database versions not stated): gnomAD exomes 0.00005 and 0.00014; ExAC 0.00021; TOPMed 0.00070; gnomAD 0.00078 and 0.00079; ESP Exome Variant Server 0.00092; 1000 Genomes Project 0.00120; 1000 Genomes Project 30x 0.00125.
gnomAD v4.1: 221 of 1,608,276 alleles (0.014%); highest among the groups gnomAD compares: African/African-American, 0.24%; no homozygotes.

Submissions (3):

Labcorp Genetics (formerly Invitae), Labcorp
Classification: Benign. Last evaluated: 2026-01-13. Review status: criteria provided, single submitter. Criteria: Invitae Variant Classification Sherloc (09022015). Collection method: clinical testing. Allele origin: germline.

Blueprint Genetics
Classification: Likely benign. Last evaluated: 2024-05-03. Review status: criteria provided, single submitter. Criteria: ACMG Guidelines, 2015. Collection method: clinical testing. Allele origin: germline.

PreventionGenetics, part of Exact Sciences
Classification: Likely benign for DGAT1-related condition. Last evaluated: 2019-09-18. Review status: no assertion criteria provided. Collection method: clinical testing. Allele origin: germline. Not counted in ClinVar's aggregate classification.
Comment: This variant is classified as likely benign based on ACMG/AMP sequence variant interpretation guidelines (Richards et al. 2015 PMID: 25741868, with internal and published modifications).

NM_012079.6(DGAT1):c.432T>C (p.Ala144=)

Gene: DGAT1 (diacylglycerol O-acyltransferase 1; minus strand). Cytogenetic location: 8q24.3.
Variant type: single nucleotide variant.
Coding change: c.432T>C on transcript NM_012079.6 (MANE Select); coding-DNA position 432, T replaced by C.
Protein change: p.Ala144=; no amino-acid change (alanine 144 retained).
Molecular consequence: synonymous variant.
Genome position (GRCh38, 1-based): chr8:144,318,735, A>G on the plus strand (T>C on the coding strand, the complement: DGAT1 is on the minus strand). VCF-style: chr8-144318735-A-G. GRCh37 (hg19) VCF-style: chr8-145542398-A-G.
Other names: c.432T>C (NM_012079.5).
Identifiers: ClinVar variation 1591690 (VCV001591690.11), dbSNP rs148532878, ClinGen allele CA4937045.